The following is an entry in ClinVar:

ClinVar aggregate classification (germline): Benign (1 of 4 stars; one submission).

Allele frequency attached by ClinVar (database versions not stated): 1000 Genomes Project 30x 0.00141; 1000 Genomes Project 0.00160; TOPMed 0.00308; ESP Exome Variant Server 0.00350; gnomAD 0.00555; gnomAD exomes 0.00637; ExAC 0.00724.
gnomAD v4.1: 10,081 of 1,613,878 alleles (0.62%); highest among the groups gnomAD compares: Non-Finnish European, 0.64%; 51 homozygotes.

Submission:

CeGaT Center for Human Genetics Tuebingen
Classification: Benign. Last evaluated: 2022-07-01. Review status: criteria provided, single submitter. Criteria: CeGaT Center For Human Genetics Tuebingen Variant Classification Criteria Version 2. Collection method: clinical testing. Allele origin: germline. Affected: yes. Observed: 1 variant allele.
Comment: OR56A5: BP4, BS1, BS2

NM_001146033.1(OR56A5):c.812T>C (p.Ile271Thr)

Genes: OR56A3 (olfactory receptor family 56 subfamily A member 3; plus strand), OR56A5 (olfactory receptor family 56 subfamily A member 5; minus strand). Cytogenetic location: 11p15.4.
Variant type: single nucleotide variant.
Coding change: c.812T>C on transcript NM_001146033.1 (MANE Select); coding-DNA position 812, T replaced by C.
Protein change: p.Ile271Thr; replaces isoleucine 271 with threonine.
Molecular consequence: missense variant.
Genome position (GRCh38, 1-based): chr11:5,967,683, A>G on the plus strand (T>C on the coding strand, the complement: OR56A5 is on the minus strand). VCF-style: chr11-5967683-A-G. GRCh37 (hg19) VCF-style: chr11-5988913-A-G.
Other names: short protein forms I271T.
Identifiers: ClinVar variation 2641545 (VCV002641545.24), dbSNP rs141209218, ClinGen allele CA5848241.